The following is an entry in ClinVar:

ClinVar aggregate classification (germline): Benign. Review status: criteria provided, multiple submitters, no conflicts (2 of 4 stars). 2 submissions from 2 submitters: Benign (2). Last evaluated 2018-01-13.

Conditions:
Maturity-onset diabetes of the young type 7 (MODY7). Identifiers: Orphanet 552, MedGen C1864839, MONDO:0012513, OMIM 610508.

Allele frequency attached by ClinVar (database versions not stated): TOPMed 0.81878; gnomAD 0.82295 and 0.82337; 1000 Genomes Project 0.83087; 1000 Genomes Project 30x 0.83104; gnomAD exomes 1.00000.
gnomAD v4.1: 125,289 of 152,176 alleles (82%); highest among the groups gnomAD compares: Middle Eastern, 89%; 51,667 homozygotes.

Submissions (2):

Illumina Laboratory Services, Illumina
Classification: Benign for Maturity-onset diabetes of the young type 7. Last evaluated: 2018-01-13. Review status: criteria provided, single submitter. Criteria: ICSL Variant Classification Criteria 13 December 2019. Collection method: clinical testing. Allele origin: germline.
Comment: This variant was observed in the ICSL laboratory as part of a predisposition screen in an ostensibly healthy population. It had not been previously curated by ICSL or reported in the Human Gene Mutation Database (HGMD: prior to June 1st, 2018), and was therefore a candidate for classification through an automated scoring system. Utilizing variant allele frequency, disease prevalence and penetrance estimates, and inheritance mode, an automated score was calculated to assess if this variant is too frequent to cause the disease. Based on the score and internal cut-off values, a variant classified as benign is not then subjected to further curation. The score for this variant resulted in a classification of benign for this disease.

Breakthrough Genomics
Classification: Benign. Review status: criteria provided, single submitter. Criteria: ACMG Guidelines, 2015. Collection method: not provided. Allele origin: germline. Inheritance: Unknown mechanism. Affected: yes.

NM_003597.5(KLF11):c.*1558T>C

Gene: KLF11 (KLF transcription factor 11; plus strand). Cytogenetic location: 2p25.1.
Variant type: single nucleotide variant.
Coding change: c.*1558T>C on transcript NM_003597.5 (MANE Select); 1558 bases downstream of the stop codon, T replaced by C.
Molecular consequence: 3 prime UTR variant.
Genome position (GRCh38, 1-based): chr2:10,054,065, T>C. VCF-style: chr2-10054065-T-C. GRCh37 (hg19) VCF-style: chr2-10194192-T-C.
Other names: c.*1558T>C (NM_001177716.2, NM_001177718.2).
Identifiers: ClinVar variation 330669 (VCV000330669.6), dbSNP rs4669522, ClinGen allele CA10610539.